The following is an entry in ClinVar:

ClinVar aggregate classification (germline): Uncertain significance (1 of 4 stars; one submission).

Submission:

Labcorp Genetics (formerly Invitae), Labcorp
Classification: Uncertain significance. Last evaluated: 2025-01-06. Review status: criteria provided, single submitter. Criteria: Invitae Variant Classification Sherloc (09022015). Collection method: clinical testing. Allele origin: germline.
Comment: This sequence change replaces isoleucine, which is neutral and non-polar, with valine, which is neutral and non-polar, at codon 1985 of the SNRNP200 protein (p.Ile1985Val). This variant is not present in population databases (gnomAD no frequency). This variant has not been reported in the literature in individuals affected with SNRNP200-related conditions. ClinVar contains an entry for this variant (Variation ID: 2001382). Invitae Evidence Modeling of protein sequence and biophysical properties (such as structural, functional, and spatial information, amino acid conservation, physicochemical variation, residue mobility, and thermodynamic stability) indicates that this missense variant is not expected to disrupt SNRNP200 protein function with a negative predictive value of 95%. In summary, the available evidence is currently insufficient to determine the role of this variant in disease. Therefore, it has been classified as a Variant of Uncertain Significance.

NM_014014.5(SNRNP200):c.5953A>G (p.Ile1985Val)

Gene: SNRNP200 (small nuclear ribonucleoprotein U5 subunit 200; minus strand). Cytogenetic location: 2q11.2.
Variant type: single nucleotide variant.
Coding change: c.5953A>G on transcript NM_014014.5 (MANE Select); coding-DNA position 5953, A replaced by G.
Protein change: p.Ile1985Val; replaces isoleucine 1985 with valine.
Molecular consequence: missense variant.
Genome position (GRCh38, 1-based): chr2:96,277,220, T>C on the plus strand (A>G on the coding strand, the complement: SNRNP200 is on the minus strand). VCF-style: chr2-96277220-T-C. GRCh37 (hg19) VCF-style: chr2-96942958-T-C.
Other names: short protein forms I1985V.
Identifiers: ClinVar variation 2001382 (VCV002001382.4), dbSNP rs2467310858, ClinGen allele CA347657017.